The following is an entry in ClinVar:

ClinVar aggregate classification (germline): Uncertain significance (1 of 4 stars; one submission).

Allele frequency attached by ClinVar (database versions not stated): ExAC 0.00001; gnomAD 0.00001; gnomAD exomes 0.00001; TOPMed 0.00002; 1000 Genomes Project 30x 0.00016; 1000 Genomes Project 0.00020.
gnomAD v4.1: 14 of 1,613,214 alleles (0.00087%); highest among the groups gnomAD compares: East Asian, 0.0022%; no homozygotes.

Submission:

Labcorp Genetics (formerly Invitae), Labcorp
Classification: Uncertain significance. Last evaluated: 2023-02-26. Review status: criteria provided, single submitter. Criteria: Invitae Variant Classification Sherloc (09022015). Collection method: clinical testing. Allele origin: germline.
Comment: This variant is present in population databases (rs200553193, gnomAD 0.02%). This sequence change falls in intron 5 of the RGR gene. It does not directly change the encoded amino acid sequence of the RGR protein. This variant has not been reported in the literature in individuals affected with RGR-related conditions. In summary, the available evidence is currently insufficient to determine the role of this variant in disease. Therefore, it has been classified as a Variant of Uncertain Significance. Algorithms developed to predict the effect of sequence changes on RNA splicing suggest that this variant may disrupt the consensus splice site.

NM_001012720.2(RGR):c.631-12A>G

Gene: RGR (retinal G protein coupled receptor; plus strand). Cytogenetic location: 10q23.1.
Variant type: single nucleotide variant.
Coding change: c.631-12A>G on transcript NM_001012720.2 (MANE Select); 12 bases into the intron before coding-DNA position 631, A replaced by G.
Molecular consequence: intron variant.
Genome position (GRCh38, 1-based): chr10:84,257,881, A>G. VCF-style: chr10-84257881-A-G. GRCh37 (hg19) VCF-style: chr10-86017637-A-G.
Other names: c.631-627A>G (NM_001012722.2); c.643-12A>G (NM_002921.4).
Identifiers: ClinVar variation 2981900 (VCV002981900.3), dbSNP rs200553193, ClinGen allele CA5581531.